The following is an entry in ClinVar:

ClinVar aggregate classification (germline): Uncertain significance. Review status: criteria provided, multiple submitters, no conflicts (2 of 4 stars). 3 submissions from 3 submitters: Uncertain significance (3). Last evaluated 2022-04-13.

Conditions:
Inborn genetic diseases. Identifiers: MedGen C0950123, MeSH D030342.
Schimke immuno-osseous dysplasia (SIOD). Also called: Schimke Immunoosseous Dysplasia. Identifiers: Orphanet 1830, MedGen C0877024, MONDO:0009458, OMIM 242900.

Allele frequency attached by ClinVar (database versions not stated): gnomAD exomes below 0.00001; gnomAD 0.00001.
gnomAD v4.1: 4 of 1,602,258 alleles (0.00025%); highest among the groups gnomAD compares: African/African-American, 0.0028%; no homozygotes.

Submissions (3):

Fulgent Genetics
Classification: Uncertain significance for Schimke immuno-osseous dysplasia. Last evaluated: 2022-04-13. Review status: criteria provided, single submitter. Criteria: ACMG Guidelines, 2015. Collection method: clinical testing. Allele origin: unknown.

Labcorp Genetics (formerly Invitae), Labcorp
Classification: Uncertain significance for Schimke immuno-osseous dysplasia. Last evaluated: 2022-03-14. Review status: criteria provided, single submitter. Criteria: Invitae Variant Classification Sherloc (09022015). Collection method: clinical testing. Allele origin: germline.
Comment: This sequence change replaces methionine, which is neutral and non-polar, with valine, which is neutral and non-polar, at codon 584 of the SMARCAL1 protein (p.Met584Val). This variant is not present in population databases (gnomAD no frequency). This variant has not been reported in the literature in individuals affected with SMARCAL1-related conditions. ClinVar contains an entry for this variant (Variation ID: 1014651). Algorithms developed to predict the effect of missense changes on protein structure and function (SIFT, PolyPhen-2, Align-GVGD) all suggest that this variant is likely to be tolerated. In summary, the available evidence is currently insufficient to determine the role of this variant in disease. Therefore, it has been classified as a Variant of Uncertain Significance.

Ambry Genetics
Classification: Uncertain significance for Inborn genetic diseases. Last evaluated: 2021-12-07. Review status: criteria provided, single submitter. Criteria: Ambry Variant Classification Scheme 2023. Collection method: clinical testing. Allele origin: germline.

NM_014140.4(SMARCAL1):c.1750A>G (p.Met584Val)

Gene: SMARCAL1 (SNF2 related chromatin remodeling annealing helicase 1; plus strand). Cytogenetic location: 2q35.
Variant type: single nucleotide variant.
Coding change: c.1750A>G on transcript NM_014140.4 (MANE Select); coding-DNA position 1750, A replaced by G.
Protein change: p.Met584Val; replaces methionine 584 with valine.
Molecular consequence: missense variant.
Genome position (GRCh38, 1-based): chr2:216,447,057, A>G. VCF-style: chr2-216447057-A-G. GRCh37 (hg19) VCF-style: chr2-217311780-A-G.
Other names: c.1750A>G (NM_014140.3); c.1750A>G, p.Met584Val (NM_001127207.2); short protein forms M584V.
Identifiers: ClinVar variation 1014651 (VCV001014651.7), dbSNP rs1694331950, ClinGen allele CA350501666.
Genomic context (GRCh38, chr2:216,447,057, plus strand): 5'-CTTTGGCTGTTTGTCTTTTAGGTTGCCAAGAGGGTGATCCTGTTGTCGGGCACACCAGCC[A>G]TGTCCCGGCCCGCAGAGCTCTACACGCAGATCATCGCAGTCAAGCCAACTTTCTTCCCCC-3'
Protein context (NP_054859.2, residues 574-594): RVILLSGTPA[Met584Val]SRPAELYTQI